The following is an entry in ClinVar:

NM_007294.4(BRCA1):c.3164G>T (p.Gly1055Val)

Gene: BRCA1 (BRCA1 DNA repair associated; minus strand). Cytogenetic location: 17q21.31.
Variant type: single nucleotide variant.
Coding change: c.3164G>T on transcript NM_007294.4 (MANE Select); coding-DNA position 3164, G replaced by T.
Protein change: p.Gly1055Val; replaces glycine 1055 with valine.
Molecular consequence: missense variant. On other transcripts: intron variant (137).
Genome position (GRCh38, 1-based): chr17:43,092,367, C>A on the plus strand (G>T on the coding strand, the complement: BRCA1 is on the minus strand). VCF-style: chr17-43092367-C-A. GRCh37 (hg19) VCF-style: chr17-41244384-C-A.
Other names: c.644-1335G>T (NM_001408470.1, NM_001408465.1, NM_001408463.1 and 3 more transcripts); c.647-1335G>T (NM_001408453.1, NM_001408461.1, NM_001408469.1 and 11 more transcripts); c.785-1335G>T (NM_001408397.1, NM_001407984.1, NM_001408398.1 and 13 more transcripts); c.2951G>T, p.Gly984Val (NM_001407571.1, NM_001407853.1, NM_001407894.1 and 9 more transcripts); c.3164G>T, p.Gly1055Val (NM_001407581.1, NM_001407582.1, NM_001407583.1 and 30 more transcripts); c.3161G>T, p.Gly1054Val (NM_001407587.1, NM_001407590.1, NM_001407591.1 and 22 more transcripts); c.3155G>T, p.Gly1052Val (NM_001407646.1, NM_001407647.1); c.3041G>T, p.Gly1014Val (NM_001407648.1, NM_001407664.1, NM_001407665.1 and 19 more transcripts); and 41 more; short protein forms G943V, G944V, G966V, G967V, G984V, G985V, G987V, G988V.
Identifiers: ClinVar variation 3226135 (VCV003226135.1), dbSNP rs2053632922, ClinGen allele CA10595654.

ClinVar aggregate classification (germline): Uncertain significance (1 of 4 stars; one submission).

Conditions:
Hereditary cancer-predisposing syndrome. Also called: Neoplastic Syndromes, Hereditary; Tumor predisposition; Hereditary neoplastic syndrome; Hereditary Cancer Syndrome. Identifiers: Orphanet 140162, MedGen C0027672, MeSH D009386, MONDO:0015356.

Submission:

Ambry Genetics
Classification: Uncertain significance for Hereditary cancer-predisposing syndrome. Last evaluated: 2024-03-04. Review status: criteria provided, single submitter. Criteria: Ambry Variant Classification Scheme 2023. Collection method: clinical testing. Allele origin: germline.
Comment: The p.G1055V variant (also known as c.3164G>T), located in coding exon 9 of the BRCA1 gene, results from a G to T substitution at nucleotide position 3164. The glycine at codon 1055 is replaced by valine, an amino acid with dissimilar properties. This amino acid position is well conserved in available vertebrate species. In addition, the in silico prediction for this alteration is inconclusive. Based on the available evidence, the clinical significance of this alteration remains unclear.